The following is an entry in ClinVar:

NM_001042545.2(LTBP4):c.2702G>C (p.Arg901Pro)

Gene: LTBP4 (latent transforming growth factor beta binding protein 4; plus strand). Cytogenetic location: 19q13.2.
Variant type: single nucleotide variant.
Coding change: c.2702G>C on transcript NM_001042545.2 (MANE Select); coding-DNA position 2702, G replaced by C.
Protein change: p.Arg901Pro; replaces arginine 901 with proline.
Molecular consequence: missense variant.
Genome position (GRCh38, 1-based): chr19:40,614,336, G>C. VCF-style: chr19-40614336-G-C. GRCh37 (hg19) VCF-style: chr19-41120242-G-C.
Other names: c.2903G>C, p.Arg968Pro (NM_001042544.1); c.2792G>C, p.Arg931Pro (NM_003573.2); short protein forms R901P, R931P, R968P.
Identifiers: ClinVar variation 1722824 (VCV001722824.3), dbSNP rs776226657, ClinGen allele CA9448778.

ClinVar aggregate classification (germline): Uncertain significance. Review status: criteria provided, multiple submitters, no conflicts (2 of 4 stars). 2 submissions from 2 submitters: Uncertain significance (2). Last evaluated 2024-06-07.

Conditions:
Inborn genetic diseases. Identifiers: MedGen C0950123, MeSH D030342.

gnomAD v4.1: 5 of 1,599,654 alleles (0.00031%); highest among the groups gnomAD compares: Non-Finnish European, 0.00042%; no homozygotes.

Submissions (2):

Ambry Genetics
Classification: Uncertain significance for Inborn genetic diseases. Last evaluated: 2024-06-07. Review status: criteria provided, single submitter. Criteria: Ambry Variant Classification Scheme 2023. Collection method: clinical testing. Allele origin: germline.

GeneDx
Classification: Uncertain significance. Last evaluated: 2022-05-03. Review status: criteria provided, single submitter. Criteria: GeneDx Variant Classification Process June 2021. Collection method: clinical testing. Allele origin: germline. Affected: yes.
Comment: Not observed at significant frequency in large population cohorts (gnomAD); In silico analysis supports that this missense variant does not alter protein structure/function; Has not been previously published as pathogenic or benign to our knowledge